The following is an entry in ClinVar:

ClinVar aggregate classification (germline): Uncertain significance (1 of 4 stars; one submission).

Conditions:
DK1-congenital disorder of glycosylation. Also called: CONGENITAL DISORDER OF GLYCOSYLATION, TYPE Im; DK1-CDG; DOLK-congenital disorder of glycosylation; Carbohydrate deficient glycoprotein syndrome type 1m; CDG Im; DK1 DEFICIENCY. Identifiers: Orphanet 91131, MedGen C1835849, MONDO:0012556, OMIM 610768.

Submission:

Labcorp Genetics (formerly Invitae), Labcorp
Classification: Uncertain significance for DK1-congenital disorder of glycosylation. Last evaluated: 2022-03-22. Review status: criteria provided, single submitter. Criteria: Invitae Variant Classification Sherloc (09022015). Collection method: clinical testing. Allele origin: germline.
Comment: This variant, c.1578_1580del, results in the deletion of 1 amino acid(s) of the DOLK protein (p.Leu528del), but otherwise preserves the integrity of the reading frame. This variant is not present in population databases (gnomAD no frequency). This variant has not been reported in the literature in individuals affected with DOLK-related conditions. Experimental studies and prediction algorithms are not available or were not evaluated, and the functional significance of this variant is currently unknown. In summary, the available evidence is currently insufficient to determine the role of this variant in disease. Therefore, it has been classified as a Variant of Uncertain Significance.

NM_014908.4(DOLK):c.1578_1580del (p.Leu528del)

Gene: DOLK (dolichol kinase; minus strand). Cytogenetic location: 9q34.11.
Variant type: Deletion.
Coding change: c.1578_1580del on transcript NM_014908.4 (MANE Select); coding-DNA positions 1578 to 1580, 3 bases deleted (CCT; older notation c.1578_1580delCCT).
Protein change: p.Leu528del; deletes leucine 528.
Molecular consequence: inframe deletion.
Genome position (GRCh38, 1-based): chr9:128,945,724-128,945,726, AGG deleted on the plus strand (CCT on the coding strand, the reverse complement: DOLK is on the minus strand); deleting any 3 consecutive bases within chr9:128,945,724-128,945,728 gives the same sequence; the c. name uses the placement nearest the transcript's 3' end. VCF-style (leftmost placement, unchanged base first): chr9-128945723-AAGG-A. GRCh37 (hg19) VCF-style: chr9-131708002-AAGG-A.
Other names: short protein forms L528del.
Identifiers: ClinVar variation 1384441 (VCV001384441.5), dbSNP rs1841648901, ClinGen allele CA1880524992.